The following is an entry in ClinVar:

NM_000384.3(APOB):c.11442C>T (p.Thr3814=)

Gene: APOB (apolipoprotein B; minus strand). Cytogenetic location: 2p24.1.
Variant type: single nucleotide variant.
Coding change: c.11442C>T on transcript NM_000384.3 (MANE Select); coding-DNA position 11442, C replaced by T.
Protein change: p.Thr3814=; no amino-acid change (threonine 3814 retained).
Molecular consequence: synonymous variant.
Genome position (GRCh38, 1-based): chr2:21,005,426, G>A on the plus strand (C>T on the coding strand, the complement: APOB is on the minus strand). VCF-style: chr2-21005426-G-A. GRCh37 (hg19) VCF-style: chr2-21228298-G-A.
Identifiers: ClinVar variation 544087 (VCV000544087.61), dbSNP rs72654408, ClinGen allele CA046627.
Genomic context (GRCh38, chr2:21,005,426, plus strand): 5'-GCCATCTGAAACACTTTTTGGAAGCGTGAACTGGGACACAGTTAACTGAGATTCAGGCAC[G>A]GTTATCTCAAAAAAGGGAATCAAGGAGTCTTCTGGTTGAGAATATTTTGTTAACACATCA-3'
Protein context (NP_000375.3, residues 3804-3824): EDSLIPFFEI[Thr3814=]VPESQLTVSQ

ClinVar aggregate classification (germline): Benign/Likely benign. Review status: criteria provided, multiple submitters, no conflicts (2 of 4 stars). 6 submissions from 6 submitters: Benign (1); Likely benign (5). Last evaluated 2026-09-01.

Conditions:
Cardiovascular phenotype. Identifiers: MedGen CN230736.
Familial hypobetalipoproteinemia 1. Also called: APOB-Related Familial Hypobetalipoproteinemia; Hypobetalipoproteinemia, normotriglyceridemic; Acanthocytosis with hypobetalipoproteinemia. Identifiers: MedGen C4551990, MONDO:0014252, OMIM 615558.
Hypercholesterolemia, autosomal dominant, type B (FHCL2). Also called: HYPERCHOLESTEROLEMIA, FAMILIAL, DUE TO LIGAND-DEFECTIVE APOLIPOPROTEIN B; Familial Hypercholesterolemia Type B; Familial hypercholesterolemia 2; APOB-Related Familial Hypercholesterolemia, Autosomal Dominant; Hyperlipoproteinemia Type IIb; APOLIPOPROTEIN B-100, FAMILIAL DEFECTIVE. Identifiers: MedGen C1704417, MONDO:0007751, OMIM 144010.
Familial hypercholesterolemia. Also called: Familial hypercholesterolaemia; Familial hypercholesterolemias. Identifiers: MedGen C0020445, MONDO:0005439.

Allele frequency attached by ClinVar (database versions not stated): gnomAD 0.00016; TOPMed 0.00027; 1000 Genomes Project 0.00040; 1000 Genomes Project 30x 0.00047; ESP Exome Variant Server 0.00069.
gnomAD v4.1: 238 of 1,613,896 alleles (0.015%); highest among the groups gnomAD compares: Middle Eastern, 0.12%; no homozygotes.

Submissions (6):

CeGaT Center for Human Genetics Tuebingen
Classification: Likely benign. Last evaluated: 2026-09-01. Review status: criteria provided, single submitter. Criteria: CeGaT Center For Human Genetics Tuebingen Variant Classification Criteria Version 2. Collection method: clinical testing. Allele origin: germline. Affected: yes. Observed: 15 variant alleles.
Comment: APOB: BP4, BP7

Labcorp Genetics (formerly Invitae), Labcorp
Classification: Likely benign for Familial hypobetalipoproteinemia 1; Hypercholesterolemia, autosomal dominant, type B. Last evaluated: 2026-01-19. Review status: criteria provided, single submitter. Criteria: Invitae Variant Classification Sherloc (09022015). Collection method: clinical testing. Allele origin: germline.

Blueprint Genetics
Classification: Likely benign. Last evaluated: 2024-11-23. Review status: criteria provided, single submitter. Criteria: ACMG Guidelines, 2015. Collection method: clinical testing. Allele origin: germline.

GENinCode PLC
Classification: Likely benign for Familial hypercholesterolemia. Last evaluated: 2024-01-05. Review status: criteria provided, single submitter. Criteria: ACMG Guidelines, 2015. Collection method: clinical testing. Allele origin: germline.
Comment: This is a synonymous (silent) variant that is not predicted by SpliceAI to impact splicing. In addition, it occurs at a nucleotide that is not conserved. Therefore this variant has been classified as Likely Benign (BP4, BP7).

Quest Diagnostics Nichols Institute San Juan Capistrano
Classification: Benign. Last evaluated: 2023-06-21. Review status: criteria provided, single submitter. Criteria: Quest Diagnostics criteria. Collection method: clinical testing. Allele origin: unknown.

Ambry Genetics
Classification: Likely benign for Cardiovascular phenotype. Last evaluated: 2020-02-14. Review status: criteria provided, single submitter. Criteria: Ambry Variant Classification Scheme 2023. Collection method: clinical testing. Allele origin: germline.